The following is an entry in ClinVar:

ClinVar aggregate classification (germline): Uncertain significance (1 of 4 stars; one submission).

Conditions:
Bethlem myopathy 1A. Also called: Bethlem myopathy 1; MYOPATHY, BENIGN CONGENITAL, WITH CONTRACTURES; Bethlem Muscular Dystrophy. Identifiers: Orphanet 610, MedGen CN029274, MONDO:0024530, OMIM 158810.

Allele frequency attached by ClinVar (database versions not stated): ExAC 0.00001; gnomAD exomes 0.00001.
gnomAD v4.1: 9 of 1,614,168 alleles (0.00056%); highest among the groups gnomAD compares: Non-Finnish European, 0.00076%; no homozygotes.

Submission:

Labcorp Genetics (formerly Invitae), Labcorp
Classification: Uncertain significance for Bethlem myopathy 1A. Last evaluated: 2025-02-20. Review status: criteria provided, single submitter. Criteria: Invitae Variant Classification Sherloc (09022015). Collection method: clinical testing. Allele origin: germline.
Comment: This sequence change replaces glutamic acid, which is acidic and polar, with lysine, which is basic and polar, at codon 2628 of the COL6A3 protein (p.Glu2628Lys). This variant is present in population databases (rs765740728, gnomAD 0.0009%). This variant has not been reported in the literature in individuals affected with COL6A3-related conditions. ClinVar contains an entry for this variant (Variation ID: 2884368). Invitae Evidence Modeling of protein sequence and biophysical properties (such as structural, functional, and spatial information, amino acid conservation, physicochemical variation, residue mobility, and thermodynamic stability) indicates that this missense variant is not expected to disrupt COL6A3 protein function with a negative predictive value of 80%. In summary, the available evidence is currently insufficient to determine the role of this variant in disease. Therefore, it has been classified as a Variant of Uncertain Significance.

NM_004369.4(COL6A3):c.7882G>A (p.Glu2628Lys)

Gene: COL6A3 (collagen type VI alpha 3 chain; minus strand). Cytogenetic location: 2q37.3.
Variant type: single nucleotide variant.
Coding change: c.7882G>A on transcript NM_004369.4 (MANE Select); coding-DNA position 7882, G replaced by A.
Protein change: p.Glu2628Lys; replaces glutamic acid 2628 with lysine.
Molecular consequence: missense variant.
Genome position (GRCh38, 1-based): chr2:237,341,034, C>T on the plus strand (G>A on the coding strand, the complement: COL6A3 is on the minus strand). VCF-style: chr2-237341034-C-T. GRCh37 (hg19) VCF-style: chr2-238249677-C-T.
Other names: c.6061G>A, p.Glu2021Lys (NM_057166.5); c.7264G>A, p.Glu2422Lys (NM_057167.4); short protein forms E2422K, E2021K, E2628K.
Identifiers: ClinVar variation 2884368 (VCV002884368.3), dbSNP rs765740728, ClinGen allele CA2187668.